The following is an entry in ClinVar:

ClinVar aggregate classification (germline): Uncertain significance. Review status: criteria provided, multiple submitters, no conflicts (2 of 4 stars). 2 submissions from 2 submitters: Uncertain significance (2). Last evaluated 2023-07-13.

Conditions:
Inborn genetic diseases. Identifiers: MedGen C0950123, MeSH D030342.

Allele frequency attached by ClinVar (database versions not stated): TOPMed below 0.00001.
gnomAD v4.1: 15 of 1,611,220 alleles (0.00093%); highest among the groups gnomAD compares: Non-Finnish European, 0.0013%; no homozygotes.

Submissions (2):

Labcorp Genetics (formerly Invitae), Labcorp
Classification: Uncertain significance. Last evaluated: 2023-07-13. Review status: criteria provided, single submitter. Criteria: Invitae Variant Classification Sherloc (09022015). Collection method: clinical testing. Allele origin: germline.
Comment: This sequence change replaces arginine, which is basic and polar, with glycine, which is neutral and non-polar, at codon 143 of the SETBP1 protein (p.Arg143Gly). This variant is not present in population databases (gnomAD no frequency). This variant has not been reported in the literature in individuals affected with SETBP1-related conditions. ClinVar contains an entry for this variant (Variation ID: 2328681). An algorithm developed to predict the effect of missense changes on protein structure and function (PolyPhen-2) suggests that this variant is likely to be disruptive. In summary, the available evidence is currently insufficient to determine the role of this variant in disease. Therefore, it has been classified as a Variant of Uncertain Significance.

Ambry Genetics
Classification: Uncertain significance for Inborn genetic diseases. Last evaluated: 2022-11-21. Review status: criteria provided, single submitter. Criteria: Ambry Variant Classification Scheme 2023. Collection method: clinical testing. Allele origin: germline.

NM_015559.3(SETBP1):c.427C>G (p.Arg143Gly)

Gene: SETBP1 (SET binding protein 1; plus strand). Cytogenetic location: 18q12.3.
Variant type: single nucleotide variant.
Coding change: c.427C>G on transcript NM_015559.3 (MANE Select); coding-DNA position 427, C replaced by G.
Protein change: p.Arg143Gly; replaces arginine 143 with glycine.
Molecular consequence: missense variant.
Genome position (GRCh38, 1-based): chr18:44,701,773, C>G. VCF-style: chr18-44701773-C-G. GRCh37 (hg19) VCF-style: chr18-42281738-C-G.
Other names: c.427C>G, p.Arg143Gly (NM_001130110.2, NM_001379141.1, NM_001379142.1 and 1 more transcripts); short protein forms R143G.
Identifiers: ClinVar variation 2328681 (VCV002328681.5), dbSNP rs768195901, ClinGen allele CA402482160.